The following is an entry in ClinVar:

NM_015559.3(SETBP1):c.31C>G (p.Arg11Gly)

Gene: SETBP1 (SET binding protein 1; plus strand). Cytogenetic location: 18q12.3.
Variant type: single nucleotide variant.
Coding change: c.31C>G on transcript NM_015559.3 (MANE Select); coding-DNA position 31, C replaced by G.
Protein change: p.Arg11Gly; replaces arginine 11 with glycine.
Molecular consequence: missense variant.
Genome position (GRCh38, 1-based): chr18:44,701,377, C>G. VCF-style: chr18-44701377-C-G. GRCh37 (hg19) VCF-style: chr18-42281342-C-G.
Other names: c.31C>G, p.Arg11Gly (NM_001130110.2, NM_001379141.1, NM_001379142.1 and 1 more transcripts); short protein forms R11G.
Identifiers: ClinVar variation 2885806 (VCV002885806.3), dbSNP rs776221622, ClinGen allele CA402481297.

ClinVar aggregate classification (germline): Uncertain significance (1 of 4 stars; one submission).

Allele frequency attached by ClinVar (database versions not stated): TOPMed 0.00001.
gnomAD v4.1: 4 of 1,533,380 alleles (0.00026%); highest among the groups gnomAD compares: Non-Finnish European, 0.00035%; no homozygotes.

Submission:

Labcorp Genetics (formerly Invitae), Labcorp
Classification: Uncertain significance. Last evaluated: 2023-04-17. Review status: criteria provided, single submitter. Criteria: Invitae Variant Classification Sherloc (09022015). Collection method: clinical testing. Allele origin: germline.
Comment: This sequence change replaces arginine, which is basic and polar, with glycine, which is neutral and non-polar, at codon 11 of the SETBP1 protein (p.Arg11Gly). This variant is not present in population databases (gnomAD no frequency). In summary, the available evidence is currently insufficient to determine the role of this variant in disease. Therefore, it has been classified as a Variant of Uncertain Significance. An algorithm developed to predict the effect of missense changes on protein structure and function (PolyPhen-2) suggests that this variant is likely to be disruptive. This variant has not been reported in the literature in individuals affected with SETBP1-related conditions.